The following is an entry in ClinVar:

ClinVar aggregate classification (germline): Uncertain significance. Review status: criteria provided, multiple submitters, no conflicts (2 of 4 stars). 3 submissions from 3 submitters: Uncertain significance (3). Last evaluated 2025-06-17.

Conditions:
Inborn genetic diseases. Identifiers: MedGen C0950123, MeSH D030342.
CHARGE syndrome (CHARGE). Also called: Hittner Hirsch Kreh syndrome; CHARGE ASSOCIATION--COLOBOMA, HEART ANOMALY, CHOANAL ATRESIA, RETARDATION, GENITAL AND EAR ANOMALIES; Coloboma, heart anomaly, choanal atresia, retardation, genital and ear anomalies; CHARGE association; Hall-Hittner syndrome. Identifiers: Orphanet 138, MedGen C0265354, MONDO:0008965.

Allele frequency attached by ClinVar (database versions not stated): gnomAD exomes below 0.00001; TOPMed below 0.00001.
gnomAD v4.1: 2 of 1,612,910 alleles (0.00012%); highest among the groups gnomAD compares: African/African-American, 0.0027%; no homozygotes.

Submissions (3):

Ambry Genetics
Classification: Uncertain significance for Inborn genetic diseases. Last evaluated: 2025-06-17. Review status: criteria provided, single submitter. Criteria: Ambry Variant Classification Scheme 2023. Collection method: clinical testing. Allele origin: germline.

Blueprint Genetics
Classification: Uncertain significance. Last evaluated: 2024-02-21. Review status: criteria provided, single submitter. Criteria: ACMG Guidelines, 2015. Collection method: clinical testing. Allele origin: germline.

Labcorp Genetics (formerly Invitae), Labcorp
Classification: Uncertain significance for CHARGE syndrome. Last evaluated: 2023-07-06. Review status: criteria provided, single submitter. Criteria: Invitae Variant Classification Sherloc (09022015). Collection method: clinical testing. Allele origin: germline.
Comment: This sequence change replaces serine, which is neutral and polar, with asparagine, which is neutral and polar, at codon 426 of the CHD7 protein (p.Ser426Asn). This variant is not present in population databases (gnomAD no frequency). This variant has not been reported in the literature in individuals affected with CHD7-related conditions. Advanced modeling of protein sequence and biophysical properties (such as structural, functional, and spatial information, amino acid conservation, physicochemical variation, residue mobility, and thermodynamic stability) performed at Invitae indicates that this missense variant is not expected to disrupt CHD7 protein function. In summary, the available evidence is currently insufficient to determine the role of this variant in disease. Therefore, it has been classified as a Variant of Uncertain Significance.

NM_017780.4(CHD7):c.1277G>A (p.Ser426Asn)

Gene: CHD7 (chromodomain helicase DNA binding protein 7; plus strand). Cytogenetic location: 8q12.2.
Variant type: single nucleotide variant.
Coding change: c.1277G>A on transcript NM_017780.4 (MANE Select); coding-DNA position 1277, G replaced by A.
Protein change: p.Ser426Asn; replaces serine 426 with asparagine.
Molecular consequence: missense variant.
Genome position (GRCh38, 1-based): chr8:60,742,709, G>A. VCF-style: chr8-60742709-G-A. GRCh37 (hg19) VCF-style: chr8-61655268-G-A.
Other names: c.1277G>A (NM_017780.3); c.1277G>A, p.Ser426Asn (NM_001316690.1); short protein forms S426N.
Identifiers: ClinVar variation 2978458 (VCV002978458.5), dbSNP rs1376601472, ClinGen allele CA371302035.